The following is an entry in ClinVar:

NM_000264.5(PTCH1):c.1602+5T>C

Gene: PTCH1 (patched 1; minus strand). Cytogenetic location: 9q22.32.
Variant type: single nucleotide variant.
Coding change: c.1602+5T>C on transcript NM_000264.5 (MANE Select); 5 bases into the intron after coding-DNA position 1602, T replaced by C.
Molecular consequence: intron variant.
Genome position (GRCh38, 1-based): chr9:95,476,754, A>G on the plus strand (T>C on the coding strand, the complement: PTCH1 is on the minus strand). VCF-style: chr9-95476754-A-G. GRCh37 (hg19) VCF-style: chr9-98239036-A-G.
Other names: c.1599+5T>C (NM_001083603.3); c.1404+5T>C (NM_001083602.3); c.1446+5T>C (NM_001354918.2); c.1149+5T>C (NM_001083605.3, NM_001083604.3, NM_001083606.3 and 1 more transcripts).
Identifiers: ClinVar variation 1776192 (VCV001776192.6), dbSNP rs1841071047, ClinGen allele CA1865644195.
Genomic context (GRCh38, chr9:95,476,754, plus strand): 5'-CAAATACTTAGGAACAGAGGAAGCTGTGATGTCCCCAAAGCTCTCTTCTTTTGTTTTTGC[A>G]TTACCTCAAAAGGGATTCTTTTATTCTGTCCTGTTTCACTGAAGGCGTGGGCCAGAAGAA-3'

ClinVar aggregate classification (germline): Conflicting classifications of pathogenicity. Review status: criteria provided, conflicting classifications (1 of 4 stars). 2 submissions from 2 submitters: Uncertain significance (1); Likely benign (1). Last evaluated 2025-08-19.

Conditions:
Hereditary cancer-predisposing syndrome. Also called: Tumor predisposition; Neoplastic Syndromes, Hereditary; Hereditary Cancer Syndrome; Hereditary neoplastic syndrome. Identifiers: Orphanet 140162, MedGen C0027672, MeSH D009386, MONDO:0015356.
Gorlin syndrome. Also called: Nevoid Basal Cell Carcinoma Syndrome; Basal cell nevus syndrome. Identifiers: Orphanet 377, MedGen C0004779, MONDO:0007187.

Submissions (2):

Ambry Genetics
Classification: Uncertain significance for Hereditary cancer-predisposing syndrome. Last evaluated: 2025-08-19. Review status: criteria provided, single submitter. Criteria: Ambry Variant Classification Scheme 2023. Collection method: clinical testing. Allele origin: germline.
Comment: The c.1602+5T>C intronic variant results from a T to C substitution 5 nucleotides after coding exon 11 in the PTCH1 gene. This nucleotide position is not well conserved in available vertebrate species. In silico splice site analysis predicts that this alteration will not have any significant effect on splicing. Based on the available evidence, the clinical significance of this variant remains unclear.

Labcorp Genetics (formerly Invitae), Labcorp
Classification: Likely benign for Gorlin syndrome. Last evaluated: 2024-03-07. Review status: criteria provided, single submitter. Criteria: Invitae Variant Classification Sherloc (09022015). Collection method: clinical testing. Allele origin: germline.